The following is an entry in ClinVar:

ClinVar aggregate classification (germline): Likely pathogenic (1 of 4 stars; one submission).

Submission:

GeneDx
Classification: Likely pathogenic. Last evaluated: 2016-08-25. Review status: criteria provided, single submitter. Criteria: GeneDx Variant Classification (06012015). Collection method: clinical testing. Allele origin: germline. Affected: yes.
Comment: The C1710F variant has not been published as a pathogenic variant, nor has it been reported as a benign variant to our knowledge. It was not observed in approximately 6,500 individuals of European and African American ancestry in the NHLBI Exome Sequencing Project, indicating it is not a common benign variant in these populations. The C1710F variant is a non-conservative amino acid substitution, which is likely to impact secondary protein structure as these residues differ in polarity, charge, size and/or other properties. This substitution alters a conserved position within the PHD-type Zinc finger 3 and in silico analysis predicts this variant is probably damaging to the protein structure/function. Missense variants in the same residue (C1710Y) and nearby residue (C1713G) have been reported in the Human Gene Mutation Database in association with NSD1-related disorder (Stenson et al., 2014). Therefore, this variant is likely pathogenic; however, the possibility that it is benign cannot be excluded.

NM_022455.5(NSD1):c.5129G>T (p.Cys1710Phe)

Gene: NSD1 (nuclear receptor binding SET domain protein 1; plus strand). Cytogenetic location: 5q35.3.
Variant type: single nucleotide variant.
Coding change: c.5129G>T on transcript NM_022455.5 (MANE Select); coding-DNA position 5129, G replaced by T.
Protein change: p.Cys1710Phe; replaces cysteine 1710 with phenylalanine.
Molecular consequence: missense variant.
Genome position (GRCh38, 1-based): chr5:177,260,151, G>T. VCF-style: chr5-177260151-G-T. GRCh37 (hg19) VCF-style: chr5-176687152-G-T.
Other names: c.4256G>T, p.Cys1419Phe (NM_001365684.2, NM_001409308.1, NM_001409309.1 and 1 more transcripts); c.5129G>T, p.Cys1710Phe (NM_001409301.1, NM_001409302.1, NM_001409303.1); c.4709G>T, p.Cys1570Phe (NM_001409304.1); c.4376G>T, p.Cys1459Phe (NM_001409305.1); c.4367G>T, p.Cys1456Phe (NM_001409306.1, NM_001409307.1); short protein forms C1710F, C1441F, C1570F, C1459F, C1419F, C1456F.
Identifiers: ClinVar variation 373004 (VCV000373004.1), dbSNP rs1057518133, ClinGen allele CA16042514.